The following is an entry in ClinVar:

NM_000294.3(PHKG2):c.324C>T (p.Asp108=)

Gene: PHKG2 (phosphorylase kinase catalytic subunit gamma 2; plus strand). Cytogenetic location: 16p11.2.
Variant type: single nucleotide variant.
Coding change: c.324C>T on transcript NM_000294.3 (MANE Select); coding-DNA position 324, C replaced by T.
Protein change: p.Asp108=; no amino-acid change (aspartic acid 108 retained).
Molecular consequence: synonymous variant.
Genome position (GRCh38, 1-based): chr16:30,751,601, C>T. VCF-style: chr16-30751601-C-T. GRCh37 (hg19) VCF-style: chr16-30762922-C-T.
Other names: c.324C>T, p.Asp108= (NM_001172432.2).
Identifiers: ClinVar variation 318936 (VCV000318936.59), dbSNP rs138416154, ClinGen allele CA8013110.

ClinVar aggregate classification (germline): Conflicting classifications of pathogenicity. Review status: criteria provided, conflicting classifications (1 of 4 stars). 6 submissions from 6 submitters: Uncertain significance (1); Benign (1); Likely benign (3). 1 of the submissions does not count toward it. Last evaluated 2026-06-01.

Conditions:
Glycogen storage disease IXc (GSD9C). Also called: GSD IXc. Identifiers: Orphanet 264580, MedGen C2751643, MONDO:0013091, OMIM 613027.
PHKG2-related disorder. Also called: PHKG2-related condition.

Allele frequency attached by ClinVar (database versions not stated): 1000 Genomes Project 30x 0.00094; 1000 Genomes Project 0.00100; TOPMed 0.00103; ESP Exome Variant Server 0.00123; gnomAD exomes 0.00228 and 0.00274; ExAC 0.00233; gnomAD 0.00243 and 0.00252.
gnomAD v4.1: 3,649 of 1,612,612 alleles (0.23%); highest among the groups gnomAD compares: Non-Finnish European, 0.2%; 15 homozygotes.

Submissions (20):

CeGaT Center for Human Genetics Tuebingen
Classification: Likely benign. Last evaluated: 2026-06-01. Review status: criteria provided, single submitter. Criteria: CeGaT Center For Human Genetics Tuebingen Variant Classification Criteria Version 2. Collection method: clinical testing. Allele origin: germline. Affected: yes. Observed: 4 variant alleles.
Comment: PHKG2: BP4, BS2

Labcorp Genetics (formerly Invitae), Labcorp
Classification: Benign for Glycogen storage disease IXc. Last evaluated: 2026-01-19. Review status: criteria provided, single submitter. Criteria: Invitae Variant Classification Sherloc (09022015). Collection method: clinical testing. Allele origin: germline.

Blueprint Genetics
Classification: Likely benign. Last evaluated: 2024-10-23. Review status: criteria provided, single submitter. Criteria: ACMG Guidelines, 2015. Collection method: clinical testing. Allele origin: germline.

Illumina Laboratory Services, Illumina
Classification: Uncertain significance for Glycogen storage disease IXc. Last evaluated: 2018-01-13. Review status: criteria provided, single submitter. Criteria: ICSL Variant Classification Criteria 13 December 2019. Collection method: clinical testing. Allele origin: germline.

GeneDx
Classification: Likely benign. Last evaluated: 2017-09-07. Review status: criteria provided, single submitter. Criteria: GeneDx Variant Classification (06012015). Collection method: clinical testing. Allele origin: germline. Affected: yes.
Comment: This variant is considered likely benign or benign based on one or more of the following criteria: it is a conservative change, it occurs at a poorly conserved position in the protein, it is predicted to be benign by multiple in silico algorithms, and/or has population frequency not consistent with disease.

PreventionGenetics, part of Exact Sciences
Classification: Likely benign for PHKG2-related condition. Last evaluated: 2019-03-07. Review status: no assertion criteria provided. Collection method: clinical testing. Allele origin: germline. Not counted in ClinVar's aggregate classification.
Comment: This variant is classified as likely benign based on ACMG/AMP sequence variant interpretation guidelines (Richards et al. 2015 PMID: 25741868, with internal and published modifications).

Dr. Peter K. Rogan Lab, Western University
No classification provided (evidence only). Condition: Clear cell carcinoma of kidney. Review status: no classification provided. Collection method: in vitro. Allele origin: not applicable. Functional consequence: retained intron. Not counted in ClinVar's aggregate classification.

Dr. Peter K. Rogan Lab, Western University
No classification provided (evidence only). Condition: Lung cancer. Review status: no classification provided. Collection method: in vitro. Allele origin: not applicable. Functional consequence: retained intron. Not counted in ClinVar's aggregate classification.

Dr. Peter K. Rogan Lab, Western University
No classification provided (evidence only). Condition: Melanoma. Review status: no classification provided. Collection method: in vitro. Allele origin: not applicable. Functional consequence: retained intron. Not counted in ClinVar's aggregate classification.

Dr. Peter K. Rogan Lab, Western University
No classification provided (evidence only). Condition: Melanoma. Review status: no classification provided. Collection method: in vitro. Allele origin: not applicable. Functional consequence: retained intron. Not counted in ClinVar's aggregate classification.

Dr. Peter K. Rogan Lab, Western University
No classification provided (evidence only). Condition: Colorectal cancer. Review status: no classification provided. Collection method: in vitro. Allele origin: not applicable. Functional consequence: skipped exon, retained intron. Not counted in ClinVar's aggregate classification.

Dr. Peter K. Rogan Lab, Western University
No classification provided (evidence only). Condition: Uterine corpus endometrial carcinoma. Review status: no classification provided. Collection method: in vitro. Allele origin: not applicable. Functional consequence: retained intron. Not counted in ClinVar's aggregate classification.

Dr. Peter K. Rogan Lab, Western University
No classification provided (evidence only). Condition: Cervical cancer. Review status: no classification provided. Collection method: in vitro. Allele origin: not applicable. Functional consequence: retained intron. Not counted in ClinVar's aggregate classification.

Dr. Peter K. Rogan Lab, Western University
No classification provided (evidence only). Condition: Hepatocellular carcinoma. Review status: no classification provided. Collection method: in vitro. Allele origin: not applicable. Functional consequence: retained intron. Not counted in ClinVar's aggregate classification.

Dr. Peter K. Rogan Lab, Western University
No classification provided (evidence only). Condition: Hepatocellular carcinoma. Review status: no classification provided. Collection method: in vitro. Allele origin: not applicable. Functional consequence: retained intron. Not counted in ClinVar's aggregate classification.

Dr. Peter K. Rogan Lab, Western University
No classification provided (evidence only). Condition: Ovarian serous cystadenocarcinoma. Review status: no classification provided. Collection method: in vitro. Allele origin: not applicable. Functional consequence: retained intron. Not counted in ClinVar's aggregate classification.

Dr. Peter K. Rogan Lab, Western University
No classification provided (evidence only). Condition: Ovarian serous cystadenocarcinoma. Review status: no classification provided. Collection method: in vitro. Allele origin: not applicable. Functional consequence: retained intron. Not counted in ClinVar's aggregate classification.

Dr. Peter K. Rogan Lab, Western University
No classification provided (evidence only). Condition: Gastric cancer. Review status: no classification provided. Collection method: in vitro. Allele origin: not applicable. Functional consequence: retained intron. Not counted in ClinVar's aggregate classification.

Dr. Peter K. Rogan Lab, Western University
No classification provided (evidence only). Condition: Adrenocortical carcinoma, hereditary. Review status: no classification provided. Collection method: in vitro. Allele origin: not applicable. Functional consequence: retained intron. Not counted in ClinVar's aggregate classification.

Dr. Peter K. Rogan Lab, Western University
No classification provided (evidence only). Condition: Adrenocortical carcinoma, hereditary. Review status: no classification provided. Collection method: in vitro. Allele origin: not applicable. Functional consequence: retained intron. Not counted in ClinVar's aggregate classification.